The following is an entry in ClinVar:

ClinVar aggregate classification (germline): Likely pathogenic (1 of 4 stars; one submission).

Conditions:
Majeed syndrome (MJDS). Also called: LPIN2-Related Majeed Syndrome; CHRONIC RECURRENT MULTIFOCAL OSTEOMYELITIS 1, WITH CONGENITAL DYSERYTHROPOIETIC ANEMIA, WITH OR WITHOUT NEUTROPHILIC DERMATOSIS. Identifiers: Orphanet 77297, MedGen C1864997, MONDO:0012316, OMIM 609628.

Submission:

Labcorp Genetics (formerly Invitae), Labcorp
Classification: Likely pathogenic for Majeed syndrome. Last evaluated: 2018-09-19. Review status: criteria provided, single submitter. Criteria: Invitae Variant Classification Sherloc (09022015). Collection method: clinical testing. Allele origin: germline.
Comment: This variant is a gross deletion of the genomic region encompassing part of exon 15 (c.2086_2087+39del) of the LPIN2 gene. It is expected to disrupt RNA splicing and likely results in an absent or disrupted protein product. This variant is not present in population databases (ExAC no frequency). This variant has not been reported in the literature in individuals with LPIN2-related disease. Loss-of-function variants in LPIN2 are known to be pathogenic (PMID: 15994876, 23087183). In summary, the currently available evidence indicates that the variant is pathogenic, but additional data are needed to prove that conclusively. Therefore, this variant has been classified as Likely Pathogenic.

NM_001375808.2(LPIN2):c.2086_2087+39del

Gene: LPIN2 (lipin 2; minus strand). Cytogenetic location: 18p11.31.
Variant type: Deletion.
Coding change: c.2086_2087+39del on transcript NM_001375808.2 (MANE Select); coding-DNA position 2086 through 39 bases into the intron after coding-DNA position 2087, 41 bases deleted.
Molecular consequence: splice donor variant.
Genome position (GRCh38, 1-based): chr18:2,924,359-2,924,399, 41 bases deleted; deleting any 41 consecutive bases within chr18:2,924,359-2,924,401 gives the same sequence; the c. name uses the placement nearest the transcript's 3' end. GRCh37 (hg19): chr18:2,924,359-2,924,399.
Other names: c.2086_2087+39delAAGTAAGCTCAATCCTTCAGGTGGGTGGCAAGGAACAGCCC (NM_014646.2); c.2086_2087+39del (NM_014646.2, NM_001375809.1).
Identifiers: ClinVar variation 657152 (VCV000657152.1), dbSNP rs1598522408, ClinGen allele CA915952262.
Genomic context (GRCh38, chr18:2,924,358, plus strand): 5'-GGGCTTCGAGCCCCAGGTGAGGAACTCCCCACCACACACTGCCTGCCCCTCCCTGAGCAC[GGGGCTGTTCCTTGCCACCCACCTGAAGGATTGAGCTTACTT>G]GGTTATTGTCCCATCAATATCAGAAATGATGATCTTGTCATTCCAGTTCCACAGGTAAAT-3'